The following is an entry in ClinVar:

NM_002528.7(NTHL1):c.59G>C (p.Gly20Ala)

Gene: NTHL1 (nth like DNA glycosylase 1; minus strand). Cytogenetic location: 16p13.3.
Variant type: single nucleotide variant.
Coding change: c.59G>C on transcript NM_002528.7 (MANE Select); coding-DNA position 59, G replaced by C.
Protein change: p.Gly20Ala; replaces glycine 20 with alanine.
Molecular consequence: missense variant. On other transcripts: 5 prime UTR variant (1).
Genome position (GRCh38, 1-based): chr16:2,047,765, C>G on the plus strand (G>C on the coding strand, the complement: NTHL1 is on the minus strand). VCF-style: chr16-2047765-C-G. GRCh37 (hg19) VCF-style: chr16-2097766-C-G.
Other names: c.59G>C, p.Gly20Ala (NM_001318193.2); c.-120G>C (NM_001318194.2); short protein forms G20A.
Identifiers: ClinVar variation 5025919 (VCV005025919.1).

ClinVar aggregate classification (germline): Uncertain significance (1 of 4 stars; one submission).

Conditions:
Hereditary cancer-predisposing syndrome. Also called: Neoplastic Syndromes, Hereditary; Tumor predisposition; Hereditary neoplastic syndrome; Hereditary Cancer Syndrome. Identifiers: Orphanet 140162, MedGen C0027672, MeSH D009386, MONDO:0015356.

Submission:

Ambry Genetics
Classification: Uncertain significance for Hereditary cancer-predisposing syndrome. Last evaluated: 2026-08-18. Review status: criteria provided, single submitter. Criteria: Ambry Variant Classification Scheme 2023. Collection method: clinical testing. Allele origin: germline.
Comment: The p.G28A variant (also known as c.83G>C), located in coding exon 1 of the NTHL1 gene, results from a G to C substitution at nucleotide position 83. The glycine at codon 28 is replaced by alanine, an amino acid with similar properties. This amino acid position is conserved. In addition, this alteration is predicted to be tolerated by in silico analysis. Based on the available evidence, the clinical significance of this variant remains unclear.